The following is an entry in ClinVar:

ClinVar aggregate classification (germline): Uncertain significance (0 of 4 stars; one submission).

Conditions:
TNXB-related disorder. Also called: TNXB-related condition.

Allele frequency attached by ClinVar (database versions not stated): ExAC 0.00001; gnomAD exomes 0.00001; TOPMed 0.00001.
gnomAD v4.1: 18 of 1,613,842 alleles (0.0011%); highest among the groups gnomAD compares: Non-Finnish European, 0.0014%; no homozygotes.

Submission:

PreventionGenetics, part of Exact Sciences
Classification: Uncertain significance for TNXB-related condition. Last evaluated: 2024-02-28. Review status: no assertion criteria provided. Collection method: clinical testing. Allele origin: germline.
Comment: The TNXB c.6479A>G variant is predicted to result in the amino acid substitution p.Lys2160Arg. To our knowledge, this variant has not been reported in the literature. This variant is reported in 0.0033% of alleles in individuals of South Asian descent in gnomAD. At this time, the clinical significance of this variant is uncertain due to the absence of conclusive functional and genetic evidence.

NM_001365276.2(TNXB):c.6479A>G (p.Lys2160Arg)

Gene: TNXB (tenascin XB; minus strand). Cytogenetic location: 6p21.33.
Variant type: single nucleotide variant.
Coding change: c.6479A>G on transcript NM_001365276.2 (MANE Select); coding-DNA position 6479, A replaced by G.
Protein change: p.Lys2160Arg; replaces lysine 2160 with arginine.
Molecular consequence: missense variant.
Genome position (GRCh38, 1-based): chr6:32,067,726, T>C on the plus strand (A>G on the coding strand, the complement: TNXB is on the minus strand). VCF-style: chr6-32067726-T-C. GRCh37 (hg19) VCF-style: chr6-32035503-T-C.
Other names: c.6479A>G, p.Lys2160Arg (NM_019105.8); short protein forms K2160R.
Identifiers: ClinVar variation 3030546 (VCV003030546.2), dbSNP rs779563644, ClinGen allele CA3734417.